The following is an entry in ClinVar:

ClinVar aggregate classification (germline): Benign (1 of 4 stars; one submission).

Allele frequency attached by ClinVar (database versions not stated): 1000 Genomes Project 30x 0.28389; 1000 Genomes Project 0.28654; TOPMed 0.31350; gnomAD 0.31531 and 0.31854.
gnomAD v4.1: 47,941 of 151,986 alleles (32%); highest among the groups gnomAD compares: Middle Eastern, 36%; 7,642 homozygotes.

Submission:

GeneDx
Classification: Benign. Last evaluated: 2018-06-14. Review status: criteria provided, single submitter. Criteria: GeneDx Variant Classification (06012015). Collection method: clinical testing. Allele origin: germline. Affected: yes.
Comment: This variant is considered likely benign or benign based on one or more of the following criteria: it is a conservative change, it occurs at a poorly conserved position in the protein, it is predicted to be benign by multiple in silico algorithms, and/or has population frequency not consistent with disease.

NM_001351169.2(NT5C2):c.293+284G>A

Gene: NT5C2 (5'-nucleotidase, cytosolic II; minus strand). Cytogenetic location: 10q24.33.
Variant type: single nucleotide variant.
Coding change: c.293+284G>A on transcript NM_001351169.2 (MANE Select); 284 bases into the intron after coding-DNA position 293, G replaced by A.
Molecular consequence: intron variant.
Genome position (GRCh38, 1-based): chr10:103,106,305, C>T on the plus strand (G>A on the coding strand, the complement: NT5C2 is on the minus strand). VCF-style: chr10-103106305-C-T. GRCh37 (hg19) VCF-style: chr10-104866062-C-T.
Other names: c.206+284G>A (NM_001351174.1); c.-189+284G>A (NM_001351191.1, NM_001351181.2); c.-281+284G>A (NM_001351192.1, NM_001351183.2, NM_001351176.2 and 2 more transcripts); c.-305+284G>A (NM_001351193.1, NM_001351178.2); c.-463+284G>A (NM_001351194.2, NM_001351195.2); c.-473+284G>A (NM_001351180.2, NM_001351188.2, NM_001351184.2 and 3 more transcripts); c.293+284G>A (NM_001134373.3, NM_001351170.2, NM_012229.5 and 3 more transcripts); c.-494+284G>A (NM_001351185.2); and 5 more.
Identifiers: ClinVar variation 667537 (VCV000667537.1), dbSNP rs2281877, ClinGen allele CA13167603.
Genomic context (GRCh38, chr10:103,106,305, plus strand): 5'-ATCATGTTAAGTGTATTAGAGAAACACGTACCTATTTGCCAACAGCCCCAAATAGCACCA[C>T]CTGTGATTACTGCCCATCAGTTTTAGTAATCTCCTTTTTTACCTGTAAGTGGGTCTTCCT-3'